The following is an entry in ClinVar:

ClinVar aggregate classification (germline): Uncertain significance (1 of 4 stars; one submission).

gnomAD v4.1: 31 of 1,613,844 alleles (0.0019%); highest among the groups gnomAD compares: Admixed American, 0.0033%; no homozygotes.

Submission:

Labcorp Genetics (formerly Invitae), Labcorp
Classification: Uncertain significance. Last evaluated: 2024-03-16. Review status: criteria provided, single submitter. Criteria: Invitae Variant Classification Sherloc (09022015). Collection method: clinical testing. Allele origin: germline.
Comment: This sequence change replaces serine, which is neutral and polar, with phenylalanine, which is neutral and non-polar, at codon 259 of the DSPP protein (p.Ser259Phe). This variant is present in population databases (rs756720862, gnomAD 0.004%). This missense change has been observed in individual(s) with deafness (PMID: 33229591). An algorithm developed to predict the effect of missense changes on protein structure and function (PolyPhen-2) suggests that this variant is likely to be disruptive. In summary, the available evidence is currently insufficient to determine the role of this variant in disease. Therefore, it has been classified as a Variant of Uncertain Significance.

Literature cited by the submitters: PubMed 33229591.

NM_014208.3(DSPP):c.776C>T (p.Ser259Phe)

Genes: DMP1-AS1 (DMP1 and DSPP antisense RNA 1; minus strand), DSPP (dentin sialophosphoprotein; plus strand). Cytogenetic location: 4q22.1.
Variant type: single nucleotide variant.
Coding change: c.776C>T on transcript NM_014208.3 (MANE Select); coding-DNA position 776, C replaced by T.
Protein change: p.Ser259Phe; replaces serine 259 with phenylalanine.
Molecular consequence: missense variant.
Genome position (GRCh38, 1-based): chr4:87,612,962, C>T. VCF-style: chr4-87612962-C-T. GRCh37 (hg19) VCF-style: chr4-88534114-C-T.
Other names: short protein forms S259F.
Identifiers: ClinVar variation 3710486 (VCV003710486.2).